The following is an entry in ClinVar:

ClinVar aggregate classification (germline): Conflicting classifications of pathogenicity. Review status: criteria provided, conflicting classifications (1 of 4 stars). 8 submissions from 8 submitters: Uncertain significance (6); Likely benign (2). Last evaluated 2026-10-15.

Conditions:
Cardiovascular phenotype. Identifiers: MedGen CN230736.
Brittle cornea syndrome 1 (BCS1). Also called: CORNEAL FRAGILITY, KERATOGLOBUS, BLUE SCLERAE, JOINT HYPEREXTENSIBILITY; EDS6B; DYSGENESIS MESODERMALIS CORNEAE ET SCLERAE; FRAGILITAS OCULI WITH JOINT HYPEREXTENSIBILITY; Corneal fragility keratoglobus, blue sclerae AND joint hypermobility. Identifiers: Orphanet 90354, MedGen C0268344, MONDO:0024543, OMIM 229200.
Ehlers-Danlos syndrome (EDS). Identifiers: Orphanet 98249, MedGen C0013720, MONDO:0020066.

Allele frequency attached by ClinVar (database versions not stated): gnomAD 0.00021 and 0.00023; gnomAD exomes 0.00023 and 0.00028; ExAC 0.00036; TOPMed 0.00017.
gnomAD v4.1: 417 of 1,550,306 alleles (0.027%); highest among the groups gnomAD compares: South Asian, 0.043%; no homozygotes.

Submissions (8):

GeneDx
Classification: Uncertain significance. Last evaluated: 2026-10-15. Review status: criteria provided, single submitter. Criteria: GeneDx Variant Classification Process June 2021. Collection method: clinical testing. Allele origin: germline.
Comment: In silico analysis suggests that this missense variant does not alter protein structure/function; Identified in a patient with keratoconus in published literature (PMID: 29228253); This variant is associated with the following publications: (PMID: 29228253)

Women's Health and Genetics/Laboratory Corporation of America, LabCorp
Classification: Uncertain significance. Last evaluated: 2025-12-29. Review status: criteria provided, single submitter. Criteria: LabCorp Variant Classification Summary - May 2015. Collection method: clinical testing. Allele origin: germline.
Comment: Variant summary: ZNF469 c.5162G>T (p.Cys1721Phe) results in a non-conservative amino acid change in the encoded protein sequence. Algorithms developed to predict the effect of missense changes on protein structure and function are either unavailable or do not agree on the potential impact of this missense change. The variant allele was found at a frequency of 0.00023 in 153804 control chromosomes. This frequency is not significantly higher than estimated for disease-causing variants in ZNF469, allowing no conclusion about variant significance. c.5162G>T has been observed in an individual affected with Keratoconus (Lucas_2017). These report(s) do not provide unequivocal conclusions about association of the variant with . To our knowledge, no experimental evidence demonstrating an impact on protein function has been reported. The following publication have been ascertained in the context of this evaluation (PMID: 29228253). ClinVar contains an entry for this variant (Variation ID: 320939). Based on the evidence outlined above, the variant was classified as uncertain significance.

Labcorp Genetics (formerly Invitae), Labcorp
Classification: Uncertain significance. Last evaluated: 2024-12-31. Review status: criteria provided, single submitter. Criteria: Invitae Variant Classification Sherloc (09022015). Collection method: clinical testing. Allele origin: germline.
Comment: This sequence change replaces cysteine, which is neutral and slightly polar, with phenylalanine, which is neutral and non-polar, at codon 1693 of the ZNF469 protein (p.Cys1693Phe). This variant is present in population databases (rs568197988, gnomAD 0.06%). This missense change has been observed in individual(s) with keratoconus (PMID: 29228253). ClinVar contains an entry for this variant (Variation ID: 320939). An algorithm developed to predict the effect of missense changes on protein structure and function (PolyPhen-2) suggests that this variant¬†is likely to be tolerated. In summary, the available evidence is currently insufficient to determine the role of this variant in disease. Therefore, it has been classified as a Variant of Uncertain Significance.

Mayo Clinic Laboratories, Mayo Clinic
Classification: Likely benign. Last evaluated: 2024-12-10. Review status: criteria provided, single submitter. Criteria: ACMG Guidelines, 2015. Collection method: clinical testing. Allele origin: germline. Observed: 3 variant alleles.
Comment: BS1, BP4

Ambry Genetics
Classification: Likely benign for Cardiovascular phenotype. Last evaluated: 2022-01-14. Review status: criteria provided, single submitter. Criteria: Ambry Variant Classification Scheme 2023. Collection method: clinical testing. Allele origin: germline.

Revvity Omics, Revvity
Classification: Uncertain significance for Brittle cornea syndrome 1. Last evaluated: 2022-01-06. Review status: criteria provided, single submitter. Criteria: ACMG Guidelines, 2015. Collection method: clinical testing. Allele origin: germline.

CeGaT Center for Human Genetics Tuebingen
Classification: Uncertain significance. Last evaluated: 2021-04-01. Review status: criteria provided, single submitter. Criteria: CeGaT Center For Human Genetics Tuebingen Variant Classification Criteria Version 2. Collection method: clinical testing. Allele origin: germline. Affected: yes. Observed: 2 variant alleles.

Genome Diagnostics Laboratory, The Hospital for Sick Children
Classification: Uncertain significance for Ehlers-Danlos syndrome. Last evaluated: 2018-08-01. Review status: criteria provided, single submitter. Criteria: ACMG Guidelines, 2015. Collection method: clinical testing. Allele origin: germline.

Literature cited by the submitters: PubMed 29228253 (cited by 4 submitters).

NM_001367624.2(ZNF469):c.5162G>T (p.Cys1721Phe)

Gene: ZNF469 (zinc finger protein 469; plus strand). Cytogenetic location: 16q24.2.
Variant type: single nucleotide variant.
Coding change: c.5162G>T on transcript NM_001367624.2 (MANE Select); coding-DNA position 5162, G replaced by T.
Protein change: p.Cys1721Phe; replaces cysteine 1721 with phenylalanine.
Molecular consequence: missense variant.
Genome position (GRCh38, 1-based): chr16:88,432,632, G>T. VCF-style: chr16-88432632-G-T. GRCh37 (hg19) VCF-style: chr16-88499040-G-T.
Other names: NM_001127464.2:c.5078G>T; p.Cys1721Phe; short protein forms C1721F.
Identifiers: ClinVar variation 320939 (VCV000320939.62), dbSNP rs568197988, ClinGen allele CA8225051.
Genomic context (GRCh38, chr16:88,432,632, plus strand): 5'-GAGCCTCCAAGACTGGACTTTGCCAGGCAGAAGGAGACAGCAGGCCCCCCCAAGATGTCT[G>T]CCTGCCTGAGCCCAGCAAGCAGCCTGGCCCACAGCTGGATGCCGGGAGTTTAGCAAAGTG-3'
Protein context (NP_001354553.1, residues 1711-1731): EGDSRPPQDV[Cys1721Phe]LPEPSKQPGP